The following is an entry in ClinVar:

ClinVar aggregate classification (germline): Uncertain significance (1 of 4 stars; one submission).

Allele frequency attached by ClinVar (database versions not stated): gnomAD exomes below 0.00001 and 0.00001; TOPMed below 0.00001; gnomAD 0.00001.
gnomAD v4.1: 4 of 1,533,968 alleles (0.00026%); highest among the groups gnomAD compares: Non-Finnish European, 0.00026%; no homozygotes.

Submission:

Labcorp Genetics (formerly Invitae), Labcorp
Classification: Uncertain significance. Last evaluated: 2022-04-08. Review status: criteria provided, single submitter. Criteria: Invitae Variant Classification Sherloc (09022015). Collection method: clinical testing. Allele origin: germline.
Comment: In summary, the available evidence is currently insufficient to determine the role of this variant in disease. Therefore, it has been classified as a Variant of Uncertain Significance. Algorithms developed to predict the effect of sequence changes on RNA splicing suggest that this variant may disrupt the consensus splice site. This variant has not been reported in the literature in individuals affected with EPS8L2-related conditions. The frequency data for this variant in the population databases is considered unreliable, as metrics indicate poor data quality at this position in the gnomAD database. This sequence change affects codon 203 of the EPS8L2 mRNA. It is a 'silent' change, meaning that it does not change the encoded amino acid sequence of the EPS8L2 protein.

NM_022772.4(EPS8L2):c.609G>A (p.Gln203=)

Genes: EPS8L2 (EPS8 signaling adaptor L2; plus strand), LOC130005078 (ATAC-STARR-seq lymphoblastoid silent region 3018; plus strand). Cytogenetic location: 11p15.5.
Variant type: single nucleotide variant.
Coding change: c.609G>A on transcript NM_022772.4 (MANE Select); coding-DNA position 609, G replaced by A.
Protein change: p.Gln203=; no amino-acid change (glutamine 203 retained).
Molecular consequence: synonymous variant.
Genome position (GRCh38, 1-based): chr11:721,115, G>A. VCF-style: chr11-721115-G-A. GRCh37 (hg19) VCF-style: chr11-721115-G-A.
Identifiers: ClinVar variation 1425710 (VCV001425710.8), dbSNP rs756468233, ClinGen allele CA5787221.